The following is an entry in ClinVar:

ClinVar aggregate classification (germline): Conflicting classifications of pathogenicity. Review status: criteria provided, conflicting classifications (1 of 4 stars). 2 submissions from 2 submitters: Likely pathogenic (1); Uncertain significance (1). Last evaluated 2023-05-17.

gnomAD v4.1: 3 of 1,211,209 alleles (0.00025%); highest among the groups gnomAD compares: Non-Finnish European, 0.00034%; no homozygotes.

Submissions (2):

Labcorp Genetics (formerly Invitae), Labcorp
Classification: Uncertain significance. Last evaluated: 2023-05-17. Review status: criteria provided, single submitter. Criteria: Invitae Variant Classification Sherloc (09022015). Collection method: clinical testing. Allele origin: germline.
Comment: This variant is not present in population databases (gnomAD no frequency). This sequence change replaces arginine, which is basic and polar, with tryptophan, which is neutral and slightly polar, at codon 377 of the STS protein (p.Arg377Trp). This missense change has been observed in individual(s) with X-linked ichthyosis (Invitae). It has also been observed to segregate with disease in related individuals. In summary, the available evidence is currently insufficient to determine the role of this variant in disease. Therefore, it has been classified as a Variant of Uncertain Significance. Algorithms developed to predict the effect of sequence changes on RNA splicing suggest that this variant may disrupt the consensus splice site. Advanced modeling of protein sequence and biophysical properties (such as structural, functional, and spatial information, amino acid conservation, physicochemical variation, residue mobility, and thermodynamic stability) performed at Invitae indicates that this missense variant is expected to disrupt STS protein function. ClinVar contains an entry for this variant (Variation ID: 421936).

GeneDx
Classification: Likely pathogenic. Last evaluated: 2016-10-25. Review status: criteria provided, single submitter. Criteria: GeneDx Variant Classification (06012015). Collection method: clinical testing. Allele origin: germline. Affected: yes.
Comment: To our knowledge, the R377W variant in the STS gene has not been reported previously as a pathogenic variant, nor as a benign variant. It was not observed in approximately 6,500 individuals of European and African American ancestry in the NHLBI Exome Sequencing Project, indicating it is not a common benign variant in these populations. The R377W variant is a non-conservative amino acid substitution, which is likely to impact secondary protein structure as these residues differ in polarity, charge, size and/or other properties. This substitution occurs at a position that is conserved across species and in silico analysis predicts this variant is probably damaging to the protein structure/function. Missense variants in nearby residues (W372R/S, G380R) have been reported in the Human Gene Mutation Database in association with ichthyosis (Stenson et al., 2014), supporting the functional importance of this region of the protein. Therefore, the R377W variant is a strong candidate for a pathogenic variant, however the possibility it may be a rare benign variant cannot be excluded.

NM_001320752.2(STS):c.1114C>T (p.Arg372Trp)

Gene: STS (steroid sulfatase; plus strand). Cytogenetic location: Xp22.31.
Variant type: single nucleotide variant.
Coding change: c.1114C>T on transcript NM_001320752.2 (MANE Select); coding-DNA position 1114, C replaced by T.
Protein change: p.Arg372Trp; replaces arginine 372 with tryptophan.
Molecular consequence: missense variant.
Genome position (GRCh38, 1-based): chrX:7,325,371, C>T. VCF-style: chrX-7325371-C-T. GRCh37 (hg19) VCF-style: chrX-7243412-C-T.
Other names: c.1114C>T, p.Arg372Trp (NM_000351.7, NM_001320753.2, NM_001320754.2); c.1150C>T, p.Arg384Trp (NM_001320750.3, NM_001320751.2); short protein forms R372W, R384W.
Identifiers: ClinVar variation 421936 (VCV000421936.7), dbSNP rs1064795456, ClinGen allele CA16621502.